The following is an entry in ClinVar:

ClinVar aggregate classification (germline): Pathogenic. Review status: criteria provided, multiple submitters, no conflicts (2 of 4 stars). 2 submissions from 2 submitters: Pathogenic (2). Last evaluated 2024-01-12.

Conditions:
WFS1-related disorder. Identifiers: MedGen CN379391, MONDO:0700293.

Allele frequency attached by ClinVar (database versions not stated): gnomAD exomes below 0.00001; TOPMed below 0.00001; gnomAD 0.00001.

Submissions (2):

Labcorp Genetics (formerly Invitae), Labcorp
Classification: Pathogenic. Last evaluated: 2024-01-12. Review status: criteria provided, single submitter. Criteria: Invitae Variant Classification Sherloc (09022015). Collection method: clinical testing. Allele origin: germline.
Comment: This sequence change results in a frameshift in the WFS1 gene (p.Phe884Serfs*68). While this is not anticipated to result in nonsense mediated decay, it is expected to disrupt the last 7 amino acid(s) of the WFS1 protein and extend the protein by 60 additional amino acid residues. This variant is not present in population databases (gnomAD no frequency). This frameshift has been observed in individual(s) with autosomal recessive Wolfram syndrome (PMID: 16151413, 17568405). It has also been observed to segregate with disease in related individuals. This variant is also known as F883fsX953 or p.Phe884fs*951. For these reasons, this variant has been classified as Pathogenic.

Blueprint Genetics
Classification: Pathogenic for WFS1-related disorders. Last evaluated: 2022-10-20. Review status: criteria provided, single submitter. Criteria: ACMG Guidelines, 2015. Collection method: clinical testing. Allele origin: germline. Affected: yes. Observed: 4 variant alleles.

Literature cited by the submitters: PubMed 16151413 (cited by Labcorp Genetics (formerly Invitae), Labcorp); PubMed 17568405 (cited by Labcorp Genetics (formerly Invitae), Labcorp).

NM_006005.3(WFS1):c.2649del (p.Phe884fs)

Gene: WFS1 (wolframin ER transmembrane glycoprotein; plus strand). Cytogenetic location: 4p16.1.
Variant type: Deletion.
Coding change: c.2649del on transcript NM_006005.3 (MANE Select); coding-DNA position 2649, one base deleted (C; older notation c.2649delC).
Protein change: p.Phe884fs; shifts the reading frame from phenylalanine 884.
Molecular consequence: frameshift variant.
Genome position (GRCh38, 1-based): chr4:6,302,444, C deleted. VCF-style (leftmost placement, unchanged base first): chr4-6302443-TC-T. GRCh37 (hg19) VCF-style: chr4-6304170-TC-T.
Other names: c.2649del, p.Phe884fs (NM_001145853.1); short protein forms F884fs.
Identifiers: ClinVar variation 2627561 (VCV002627561.5), dbSNP rs71524394, ClinGen allele CA91797917.